The following is an entry in ClinVar:

NM_000179.3(MSH6):c.3G>C (p.Met1Ile)

Gene: MSH6 (mutS homolog 6; plus strand). Cytogenetic location: 2p16.3.
Variant type: single nucleotide variant.
Coding change: c.3G>C on transcript NM_000179.3 (MANE Select); coding-DNA position 3, G replaced by C.
Protein change: p.Met1Ile; changes the start codon (methionine 1).
Molecular consequence: missense variant, initiator codon variant. On other transcripts: 5 prime UTR variant (1).
Genome position (GRCh38, 1-based): chr2:47,783,236, G>C. VCF-style: chr2-47783236-G-C. GRCh37 (hg19) VCF-style: chr2-48010375-G-C.
Other names: c.3G>C, p.Met1Ile (NM_001281492.2); c.-734G>C (NM_001281493.2); short protein forms M1I.
Identifiers: ClinVar variation 483877 (VCV000483877.6), dbSNP rs876660095, ClinGen allele CA346734463.
Genomic context (GRCh38, chr2:47,783,236, plus strand): 5'-ATGCGGTGCTTTTAGGAGCTCCGTCCGACAGAACGGTTGGGCCTTGCCGGCTGTCGGTAT[G>C]TCGCGACAGAGCACCCTGTACAGCTTCTTCCCCAAGTCTCCGGCGCTGAGTGATGCCAAC-3'
Protein context (NP_000170.1, residues 1-11): [Met1Ile]SRQSTLYSFF

ClinVar aggregate classification (germline): Pathogenic (1 of 4 stars; one submission).

Conditions:
Hereditary cancer-predisposing syndrome. Also called: Neoplastic Syndromes, Hereditary; Tumor predisposition; Hereditary Cancer Syndrome; Hereditary neoplastic syndrome. Identifiers: Orphanet 140162, MedGen C0027672, MeSH D009386, MONDO:0015356.

Submission:

Ambry Genetics
Classification: Pathogenic for Hereditary cancer-predisposing syndrome. Last evaluated: 2017-07-27. Review status: criteria provided, single submitter. Criteria: Ambry Variant Classification Scheme 2023. Collection method: clinical testing. Allele origin: germline.
Comment: The p.M1? pathogenic mutation (also known as c.3G>C), located in coding exon 1 of the MSH6 gene, results from a G to C substitution at nucleotide position 3. This alters the methionine residue at the initiation codon. Since sequence variations that modify the initiation codon (ATG) are expected to result in either loss of translation initiation, N-terminal truncation, or cause a shift in the mRNA reading frame, this alteration is interpreted as a disease-causing mutation.